The following is an entry in ClinVar:

NM_024408.4(NOTCH2):c.7195G>A (p.Glu2399Lys)

Gene: NOTCH2 (notch receptor 2; minus strand). Cytogenetic location: 1p12.
Variant type: single nucleotide variant.
Coding change: c.7195G>A on transcript NM_024408.4 (MANE Select); coding-DNA position 7195, G replaced by A.
Protein change: p.Glu2399Lys; replaces glutamic acid 2399 with lysine.
Molecular consequence: missense variant.
Genome position (GRCh38, 1-based): chr1:119,915,527, C>T on the plus strand (G>A on the coding strand, the complement: NOTCH2 is on the minus strand). VCF-style: chr1-119915527-C-T. GRCh37 (hg19) VCF-style: chr1-120458150-C-T.
Other names: short protein forms E2399K.
Identifiers: ClinVar variation 2579346 (VCV002579346.3), dbSNP rs752104735, ClinGen allele CA1039305.

ClinVar aggregate classification (germline): Uncertain significance. Review status: criteria provided, multiple submitters, no conflicts (2 of 4 stars). 2 submissions from 2 submitters: Uncertain significance (2). Last evaluated 2024-08-21.

Conditions:
Hajdu-Cheney syndrome (HJCYS). Also called: ACROOSTEOLYSIS WITH OSTEOPOROSIS AND CHANGES IN SKULL AND MANDIBLE; SERPENTINE FIBULA-POLYCYSTIC KIDNEY SYNDROME; Acroosteolysis dominant type. Identifiers: Orphanet 955, MedGen C0917715, MONDO:0007057, OMIM 102500.

Allele frequency attached by ClinVar (database versions not stated): gnomAD exomes below 0.00001; ExAC 0.00001.
gnomAD v4.1: 2 of 1,613,956 alleles (0.00012%); highest among the groups gnomAD compares: Non-Finnish European, 0.000085%; no homozygotes.

Submissions (2):

Labcorp Genetics (formerly Invitae), Labcorp
Classification: Uncertain significance for Hajdu-Cheney syndrome. Last evaluated: 2024-08-21. Review status: criteria provided, single submitter. Criteria: Invitae Variant Classification Sherloc (09022015). Collection method: clinical testing. Allele origin: germline.
Comment: This sequence change replaces glutamic acid, which is acidic and polar, with lysine, which is basic and polar, at codon 2399 of the NOTCH2 protein (p.Glu2399Lys). This variant is present in population databases (rs752104735, gnomAD 0.0009%). This variant has not been reported in the literature in individuals affected with NOTCH2-related conditions. ClinVar contains an entry for this variant (Variation ID: 2579346). Invitae Evidence Modeling of protein sequence and biophysical properties (such as structural, functional, and spatial information, amino acid conservation, physicochemical variation, residue mobility, and thermodynamic stability) indicates that this missense variant is not expected to disrupt NOTCH2 protein function with a negative predictive value of 80%. In summary, the available evidence is currently insufficient to determine the role of this variant in disease. Therefore, it has been classified as a Variant of Uncertain Significance.

GeneDx
Classification: Uncertain significance. Last evaluated: 2023-03-01. Review status: criteria provided, single submitter. Criteria: GeneDx Variant Classification Process June 2021. Collection method: clinical testing. Allele origin: germline. Affected: yes.
Comment: In silico analysis supports that this missense variant does not alter protein structure/function; Not observed at significant frequency in large population cohorts (gnomAD); Has not been previously published as pathogenic or benign to our knowledge